The following is an entry in ClinVar:

NM_006269.2(RP1):c.4448T>C (p.Val1483Ala)

Gene: RP1 (RP1 axonemal microtubule associated; plus strand). Cytogenetic location: 8q12.1.
Variant type: single nucleotide variant.
Coding change: c.4448T>C on transcript NM_006269.2 (MANE Select); coding-DNA position 4448, T replaced by C.
Protein change: p.Val1483Ala; replaces valine 1483 with alanine.
Molecular consequence: missense variant. On other transcripts: intron variant (1).
Genome position (GRCh38, 1-based): chr8:54,628,330, T>C. VCF-style: chr8-54628330-T-C. GRCh37 (hg19) VCF-style: chr8-55540890-T-C.
Other names: c.787+6042T>C (NM_001375654.1); c.4448T>C (NM_006269.1); short protein forms V1483A.
Identifiers: ClinVar variation 1391288 (VCV001391288.7), dbSNP rs763697787, ClinGen allele CA4751867.

ClinVar aggregate classification (germline): Uncertain significance. Review status: criteria provided, multiple submitters, no conflicts (2 of 4 stars). 2 submissions from 2 submitters: Uncertain significance (2). Last evaluated 2025-10-29.

Conditions:
Inborn genetic diseases. Identifiers: MedGen C0950123, MeSH D030342.

Allele frequency attached by ClinVar (database versions not stated): gnomAD exomes 0.00001 and 0.00002; ExAC 0.00001; TOPMed 0.00002; gnomAD 0.00003.
gnomAD v4.1: 26 of 1,613,698 alleles (0.0016%); highest among the groups gnomAD compares: Non-Finnish European, 0.0019%; no homozygotes.

Submissions (2):

Ambry Genetics
Classification: Uncertain significance for Inborn genetic diseases. Last evaluated: 2025-10-29. Review status: criteria provided, single submitter. Criteria: Ambry Variant Classification Scheme 2023. Collection method: clinical testing. Allele origin: germline.

Labcorp Genetics (formerly Invitae), Labcorp
Classification: Uncertain significance. Last evaluated: 2025-06-14. Review status: criteria provided, single submitter. Criteria: Invitae Variant Classification Sherloc (09022015). Collection method: clinical testing. Allele origin: germline.
Comment: This sequence change replaces valine, which is neutral and non-polar, with alanine, which is neutral and non-polar, at codon 1483 of the RP1 protein (p.Val1483Ala). This variant is present in population databases (rs763697787, gnomAD 0.005%). This variant has not been reported in the literature in individuals affected with RP1-related conditions. ClinVar contains an entry for this variant (Variation ID: 1391288). An algorithm developed to predict the effect of missense changes on protein structure and function (PolyPhen-2) suggests that this variant is likely to be tolerated. In summary, the available evidence is currently insufficient to determine the role of this variant in disease. Therefore, it has been classified as a Variant of Uncertain Significance.